The following is an entry in ClinVar:

ClinVar aggregate classification (germline): Uncertain significance. Review status: criteria provided, multiple submitters, no conflicts (2 of 4 stars). 3 submissions from 3 submitters: Uncertain significance (3). Last evaluated 2024-11-15.

Conditions:
Autosomal dominant nonsyndromic hearing loss 1. Also called: KONIGSMARK SYNDROME; DEAFNESS, AUTOSOMAL DOMINANT 1, WITH OR WITHOUT THROMBOCYTOPENIA. Identifiers: Orphanet 90635, MedGen C1852282, MONDO:0007424, OMIM 124900.
Progressive microcephaly-seizures-cortical blindness-developmental delay syndrome. Also called: Seizures, cortical blindness, and microcephaly syndrome. Identifiers: Orphanet 477814, MedGen C5567650, MONDO:0014714, OMIM 616632.
Inborn genetic diseases. Identifiers: MedGen C0950123, MeSH D030342.

Allele frequency attached by ClinVar (database versions not stated): ESP Exome Variant Server 0.00008.
gnomAD v4.1: 14 of 1,614,234 alleles (0.00087%); highest among the groups gnomAD compares: Middle Eastern, 0.016%; no homozygotes.

Submissions (3):

GeneDx
Classification: Uncertain significance. Last evaluated: 2024-11-15. Review status: criteria provided, single submitter. Criteria: GeneDx Variant Classification Process June 2021. Collection method: clinical testing. Allele origin: germline. Affected: yes.
Comment: In silico analysis supports that this missense variant has a deleterious effect on protein structure/function; Has not been previously published as pathogenic or benign to our knowledge

Labcorp Genetics (formerly Invitae), Labcorp
Classification: Uncertain significance for Progressive microcephaly-seizures-cortical blindness-developmental delay syndrome; Autosomal dominant nonsyndromic hearing loss 1. Last evaluated: 2024-09-30. Review status: criteria provided, single submitter. Criteria: Invitae Variant Classification Sherloc (09022015). Collection method: clinical testing. Allele origin: germline.
Comment: This sequence change replaces phenylalanine, which is neutral and non-polar, with leucine, which is neutral and non-polar, at codon 1037 of the DIAPH1 protein (p.Phe1037Leu). This variant is present in population databases (rs376328260, gnomAD 0.003%). This variant has not been reported in the literature in individuals affected with DIAPH1-related conditions. ClinVar contains an entry for this variant (Variation ID: 1372059). An algorithm developed to predict the effect of missense changes on protein structure and function (PolyPhen-2) suggests that this variant is likely to be disruptive. In summary, the available evidence is currently insufficient to determine the role of this variant in disease. Therefore, it has been classified as a Variant of Uncertain Significance.

Ambry Genetics
Classification: Uncertain significance for Inborn genetic diseases. Last evaluated: 2023-02-27. Review status: criteria provided, single submitter. Criteria: Ambry Variant Classification Scheme 2023. Collection method: clinical testing. Allele origin: germline.

NM_005219.5(DIAPH1):c.3111T>G (p.Phe1037Leu)

Gene: DIAPH1 (diaphanous related formin 1; minus strand). Cytogenetic location: 5q31.3.
Variant type: single nucleotide variant.
Coding change: c.3111T>G on transcript NM_005219.5 (MANE Select); coding-DNA position 3111, T replaced by G.
Protein change: p.Phe1037Leu; replaces phenylalanine 1037 with leucine.
Molecular consequence: missense variant.
Genome position (GRCh38, 1-based): chr5:141,528,490, A>C on the plus strand (T>G on the coding strand, the complement: DIAPH1 is on the minus strand). VCF-style: chr5-141528490-A-C. GRCh37 (hg19) VCF-style: chr5-140908057-A-C.
Other names: c.3084T>G, p.Phe1028Leu (NM_001079812.3); c.3111T>G, p.Phe1037Leu (NM_001314007.2); c.3111T>G (NM_005219.4); short protein forms F1028L, F1037L.
Identifiers: ClinVar variation 1372059 (VCV001372059.8), dbSNP rs376328260, ClinGen allele CA3478897.